The following is an entry in ClinVar:

NM_080424.4(SP110):c.1283A>G (p.Lys428Arg)

Gene: SP110 (SP110 nuclear body protein; minus strand). Cytogenetic location: 2q37.1.
Variant type: single nucleotide variant.
Coding change: c.1283A>G on transcript NM_080424.4 (MANE Select); coding-DNA position 1283, A replaced by G.
Protein change: p.Lys428Arg; replaces lysine 428 with arginine.
Molecular consequence: missense variant.
Genome position (GRCh38, 1-based): chr2:230,183,637, T>C on the plus strand (A>G on the coding strand, the complement: SP110 is on the minus strand). VCF-style: chr2-230183637-T-C. GRCh37 (hg19) VCF-style: chr2-231048353-T-C.
Other names: c.1301A>G, p.Lys434Arg (NM_001185015.2, NM_001378442.1, NM_001378444.1 and 2 more transcripts); c.1283A>G, p.Lys428Arg (NM_001378443.1, NM_004509.5, NM_004510.4); c.1133A>G, p.Lys378Arg (NM_001378447.1); short protein forms K378R, K428R, K434R.
Identifiers: ClinVar variation 2823038 (VCV002823038.3), dbSNP rs2469508828, ClinGen allele CA350906540.
Genomic context (GRCh38, chr2:230,183,637, plus strand): 5'-CGGTGAATATTTTTCTGAAATCTCCTTTTTGAGCTTGAACAGATATCTTTCTCCTTTTTC[T>C]TTTCTAAACACAGAATTAATAATCACTTATAGCTACAAACATAGATTTATAAGCCTCATA-3'
Protein context (NP_536349.3, residues 418-438): KCARKSRLKE[Lys428Arg]KKEKDICSSS

ClinVar aggregate classification (germline): Uncertain significance (1 of 4 stars; one submission).

Conditions:
Hepatic veno-occlusive disease-immunodeficiency syndrome. Also called: Hepatic Veno-Occlusive Disease with Immunodeficiency. Identifiers: Orphanet 79124, MedGen C1856128, MONDO:0009338, OMIM 235550. Disease mechanism: loss of function.

Submission:

Labcorp Genetics (formerly Invitae), Labcorp
Classification: Uncertain significance for Hepatic veno-occlusive disease-immunodeficiency syndrome. Last evaluated: 2022-12-21. Review status: criteria provided, single submitter. Criteria: Invitae Variant Classification Sherloc (09022015). Collection method: clinical testing. Allele origin: germline.
Comment: In summary, the available evidence is currently insufficient to determine the role of this variant in disease. Therefore, it has been classified as a Variant of Uncertain Significance. This sequence change replaces lysine, which is basic and polar, with arginine, which is basic and polar, at codon 428 of the SP110 protein (p.Lys428Arg). This variant is not present in population databases (gnomAD no frequency). This variant has not been reported in the literature in individuals affected with SP110-related conditions. Algorithms developed to predict the effect of missense changes on protein structure and function are either unavailable or do not agree on the potential impact of this missense change (SIFT: "Deleterious"; PolyPhen-2: "Benign"; Align-GVGD: "Class C0").